The following is an entry in ClinVar:

ClinVar aggregate classification (germline): Pathogenic/Likely pathogenic. Review status: criteria provided, multiple submitters, no conflicts (2 of 4 stars). 2 submissions from 2 submitters: Pathogenic (1); Likely pathogenic (1). Last evaluated 2025-02-28.

Conditions:
Hypopigmentation-punctate palmoplantar keratoderma syndrome. Also called: GUTTATE HYPOPIGMENTATION AND PUNCTATE PALMOPLANTAR KERATODERMA WITH OR WITHOUT ECTOPIC CALCIFICATION; Cole disease. Identifiers: Orphanet 324561, MedGen C3809781, MONDO:0014227, OMIM 615522.
Inherited obesity. Also called: Monogenic Obesity. Identifiers: Orphanet 77828, MedGen C4054476, MONDO:0019182, OMIM 601665.
Type 2 diabetes mellitus. Also called: Type II diabetes mellitus. Identifiers: MedGen C0011860, MeSH D003924, MONDO:0005148, OMIM 125853, HP:0005978.
Arterial calcification, generalized, of infancy, 1 (GACI1). Also called: Idiopathic Infantile Arterial Calcification. Identifiers: Orphanet 51608, MedGen C4551985, MONDO:0008817, OMIM 208000.
Hypophosphatemic rickets, autosomal recessive, 2 (ARHR2). Identifiers: Orphanet 289176, MedGen C2750078, MONDO:0013219, OMIM 613312.
ENPP1-related disorder. Also called: ENPP1-related disorders; ENPP1-related condition.

Submissions (2):

Rady Children's Institute for Genomic Medicine, Rady Children's Hospital San Diego
Classification: Pathogenic for ENPP1-related disorders. Last evaluated: 2025-02-28. Review status: criteria provided, single submitter. Criteria: ACMG Guidelines, 2015. Collection method: clinical testing. Allele origin: germline. Affected: yes.
Comment: This variant affects the canonical splice donor site of intron 2 and is therefore predicted to interfere with splicing and result in loss of normal protein function through either protein truncation or nonsense-mediated mRNA decay. Loss-of-function variation in ENPP1 is an established mechanism of disease (PMID: 25392903). This variant has been previously reported as a compound heterozygous change in a patient with hypophosphatemic rickets and multiple arterial stenoses and calcifications (PMID: 37153460). The c.313+1G>A variant is absent from the latest version of the gnomAD population database and thus is presumed to be rare. Based on the available evidence, c.313+1G>A is classified as Pathogenic.

Fulgent Genetics
Classification: Likely pathogenic for Type 2 diabetes mellitus; Arterial calcification, generalized, of infancy, 1; Inherited obesity; Hypophosphatemic rickets, autosomal recessive, 2; Hypopigmentation-punctate palmoplantar keratoderma syndrome. Last evaluated: 2024-02-07. Review status: criteria provided, single submitter. Criteria: ACMG Guidelines, 2015. Collection method: clinical testing. Allele origin: germline.

Literature cited by the submitters: PubMed 25392903 (cited by Rady Children's Institute for Genomic Medicine, Rady Children's Hospital San Diego); PubMed 37153460 (cited by Rady Children's Institute for Genomic Medicine, Rady Children's Hospital San Diego).

NM_006208.3(ENPP1):c.313+1G>A

Gene: ENPP1 (ectonucleotide pyrophosphatase/phosphodiesterase 1; plus strand). Cytogenetic location: 6q23.2.
Variant type: single nucleotide variant.
Coding change: c.313+1G>A on transcript NM_006208.3 (MANE Select); the canonical splice donor site of the intron after coding-DNA position 313, G replaced by A.
Molecular consequence: splice donor variant.
Genome position (GRCh38, 1-based): chr6:131,847,849, G>A. VCF-style: chr6-131847849-G-A. GRCh37 (hg19) VCF-style: chr6-132168989-G-A.
Other names: c.313+1G>A (NM_006208.2).
Identifiers: ClinVar variation 3593055 (VCV003593055.2).